The following is an entry in ClinVar:

NM_032730.5(RTN4IP1):c.601A>T (p.Lys201Ter)

Gene: RTN4IP1 (reticulon 4 interacting protein 1; minus strand). Cytogenetic location: 6q21.
Variant type: single nucleotide variant.
Coding change: c.601A>T on transcript NM_032730.5 (MANE Select); coding-DNA position 601, A replaced by T.
Protein change: p.Lys201Ter; replaces lysine 201 with a stop codon.
Molecular consequence: nonsense.
Genome position (GRCh38, 1-based): chr6:106,619,221, T>A on the plus strand (A>T on the coding strand, the complement: RTN4IP1 is on the minus strand). VCF-style: chr6-106619221-T-A. GRCh37 (hg19) VCF-style: chr6-107067096-T-A.
Other names: c.301A>T, p.Lys101Ter (NM_001318746.1); short protein forms K201*, K101*.
Identifiers: ClinVar variation 218933 (VCV000218933.11), dbSNP rs200457692, ClinGen allele CA249720.

ClinVar aggregate classification (germline): Pathogenic. Review status: criteria provided, multiple submitters, no conflicts (2 of 4 stars). 3 submissions from 3 submitters: Pathogenic (2). 1 of the submissions does not count toward it. Last evaluated 2024-03-02.

Conditions:
Optic atrophy 10 with or without ataxia, impaired intellectual development, and seizures. Also called: Optic atrophy 10 with or without ataxia, intellectual disability, and seizures; OPTIC ATROPHY 10 WITH OR WITHOUT ATAXIA, MENTAL RETARDATION, AND SEIZURES. Identifiers: MedGen C4225227, MONDO:0020737, OMIM 616732.

Allele frequency attached by ClinVar (database versions not stated): gnomAD exomes 0.00001; ExAC 0.00002; TOPMed 0.00002.
gnomAD v4.1: 24 of 1,614,076 alleles (0.0015%); highest among the groups gnomAD compares: Non-Finnish European, 0.002%; no homozygotes.

Submissions (3):

Labcorp Genetics (formerly Invitae), Labcorp
Classification: Pathogenic. Last evaluated: 2024-03-02. Review status: criteria provided, single submitter. Criteria: Invitae Variant Classification Sherloc (09022015). Collection method: clinical testing. Allele origin: germline.
Comment: This sequence change creates a premature translational stop signal (p.Lys201*) in the RTN4IP1 gene. It is expected to result in an absent or disrupted protein product. Loss-of-function variants in RTN4IP1 are known to be pathogenic (PMID: 26593267). This variant is present in population databases (rs200457692, gnomAD 0.002%). This premature translational stop signal has been observed in individual(s) with autosomal recessive early-onset optic neuropathy (PMID: 26593267). It has also been observed to segregate with disease in related individuals. ClinVar contains an entry for this variant (Variation ID: 218933). Algorithms developed to predict the effect of sequence changes on RNA splicing suggest that this variant may disrupt the consensus splice site. For these reasons, this variant has been classified as Pathogenic.

Baylor Genetics
Classification: Pathogenic for Optic atrophy 10 with or without ataxia, impaired intellectual development, and seizures. Last evaluated: 2023-03-30. Review status: criteria provided, single submitter. Criteria: ACMG Guidelines, 2015. Collection method: clinical testing. Allele origin: unknown.

OMIM
Classification: Pathogenic for OPTIC ATROPHY 10 WITH ATAXIA, MENTAL RETARDATION, AND SEIZURES. Last evaluated: 2015-11-05. Review status: no assertion criteria provided. Collection method: literature only. Allele origin: germline. Not counted in ClinVar's aggregate classification.

Literature cited by the submitters: PubMed 26593267 (cited by Labcorp Genetics (formerly Invitae), Labcorp and OMIM).